The following is an entry in ClinVar:

ClinVar aggregate classification (germline): Uncertain significance (1 of 4 stars; one submission).

Submission:

Labcorp Genetics (formerly Invitae), Labcorp
Classification: Uncertain significance. Last evaluated: 2023-03-13. Review status: criteria provided, single submitter. Criteria: Invitae Variant Classification Sherloc (09022015). Collection method: clinical testing. Allele origin: germline.
Comment: In summary, the available evidence is currently insufficient to determine the role of this variant in disease. Therefore, it has been classified as a Variant of Uncertain Significance. Advanced modeling of protein sequence and biophysical properties (such as structural, functional, and spatial information, amino acid conservation, physicochemical variation, residue mobility, and thermodynamic stability) performed at Invitae indicates that this missense variant is not expected to disrupt COL11A2 protein function. ClinVar contains an entry for this variant (Variation ID: 1411550). This variant has not been reported in the literature in individuals affected with COL11A2-related conditions. This variant is not present in population databases (gnomAD no frequency). This sequence change replaces isoleucine, which is neutral and non-polar, with valine, which is neutral and non-polar, at codon 415 of the COL11A2 protein (p.Ile415Val).

NM_080680.3(COL11A2):c.1243A>G (p.Ile415Val)

Gene: COL11A2 (collagen type XI alpha 2 chain; minus strand). Cytogenetic location: 6p21.32.
Variant type: single nucleotide variant.
Coding change: c.1243A>G on transcript NM_080680.3 (MANE Select); coding-DNA position 1243, A replaced by G.
Protein change: p.Ile415Val; replaces isoleucine 415 with valine.
Molecular consequence: missense variant.
Genome position (GRCh38, 1-based): chr6:33,180,709, T>C on the plus strand (A>G on the coding strand, the complement: COL11A2 is on the minus strand). VCF-style: chr6-33180709-T-C. GRCh37 (hg19) VCF-style: chr6-33148486-T-C.
Other names: c.922A>G, p.Ile308Val (NM_080679.3); c.985A>G, p.Ile329Val (NM_080681.3); short protein forms I329V, I308V, I415V.
Identifiers: ClinVar variation 1411550 (VCV001411550.8), dbSNP rs2150586428, ClinGen allele CA363606365.